The following is an entry in ClinVar:

NM_000022.4(ADA):c.529G>A (p.Val177Met)

Gene: ADA (adenosine deaminase; minus strand). Cytogenetic location: 20q13.12.
Variant type: single nucleotide variant.
Coding change: c.529G>A on transcript NM_000022.4 (MANE Select); coding-DNA position 529, G replaced by A.
Protein change: p.Val177Met; replaces valine 177 with methionine.
Molecular consequence: missense variant. On other transcripts: non-coding transcript variant (1).
Genome position (GRCh38, 1-based): chr20:44,624,279, C>T on the plus strand (G>A on the coding strand, the complement: ADA is on the minus strand). VCF-style: chr20-44624279-C-T. GRCh37 (hg19) VCF-style: chr20-43252920-C-T.
Other names: c.529G>A (NM_000022.3); c.124G>A, p.Val42Met (NM_001322050.2); c.529G>A, p.Val177Met (NM_001322051.2); short protein forms V177M, V42M.
Identifiers: ClinVar variation 68265 (VCV000068265.17), dbSNP rs121908719, ClinGen allele CA266016.

ClinVar aggregate classification (germline): Pathogenic/Likely pathogenic. Review status: criteria provided, multiple submitters, no conflicts (2 of 4 stars). 8 submissions from 8 submitters: Pathogenic (4); Likely pathogenic (2). 2 of the submissions do not count toward it. Last evaluated 2025-06-04.

Conditions:
Severe combined immunodeficiency disease. Also called: Severe combined immunodeficiency; Severe Combined Immune Deficiency. Identifiers: Orphanet 183660, MedGen C0085110, MeSH D016511, MONDO:0015974, HP:0004430. Inheritance: X-Linked or Autosomal recessive.
ADA-related disorder. Also called: ADA-related condition.
Severe combined immunodeficiency, autosomal recessive, T cell-negative, B cell-negative, NK cell-negative, due to adenosine deaminase deficiency. Also called: SCID DUE TO ADA DEFICIENCY; SCID DUE TO ADA DEFICIENCY, EARLY-ONSET; ADA-SCID; ADA deficiency; Adenosine deaminase deficient severe combined immunodeficiency; Severe combined immunodeficiency due to ADA deficiency. Identifiers: Orphanet 277, MedGen C0392607, MONDO:0007064, OMIM 102700.

Allele frequency attached by ClinVar (database versions not stated): TOPMed below 0.00001; ExAC 0.00002; gnomAD exomes 0.00002.

Submissions (8):

Women's Health and Genetics/Laboratory Corporation of America, LabCorp
Classification: Pathogenic for Severe combined immunodeficiency disease. Last evaluated: 2025-06-04. Review status: criteria provided, single submitter. Criteria: LabCorp Variant Classification Summary - May 2015. Collection method: clinical testing. Allele origin: germline.
Comment: Variant summary: ADA c.529G>A (p.Val177Met) results in a conservative amino acid change in the encoded protein sequence. Algorithms developed to predict the effect of missense changes on protein structure and function are either unavailable or do not agree on the potential impact of this missense change. The variant allele was found at a frequency of 2e-05 in 251362 control chromosomes (gnomAD). c.529G>A has been observed in individuals affected with clinical features of Adenosine deaminase deficiency (Santisteban_1993, Nakaoka_2012, Azizi_2023, Tomomasa_2025). These data indicate that the variant is likely to be associated with disease. At least one publication reports experimental evidence evaluating an impact on protein function. The most pronounced variant effect results in <10% of normal activity (Arredondo-Vega_1998). The following publications have been ascertained in the context of this evaluation (PMID: 7599635, 14499267, 7554472, 9758612, 36790564, 22447032, 8227344, 39592026). ClinVar contains an entry for this variant (Variation ID: 68265). Based on the evidence outlined above, the variant was classified as pathogenic.

Natera, Inc.
Classification: Pathogenic for Severe combined immunodeficiency due to ADA deficiency. Last evaluated: 2025-05-29. Review status: criteria provided, single submitter. Criteria: Natera Variant Classification Schema (03/2026). Collection method: clinical testing. Allele origin: germline.
Comment: The c.529G>A variant in ADA is a missense variant predicted to cause substitution of valine to methionine at amino acid 177. This variant is rare in the general population with a frequency below the threshold expected for the associated phenotype(s). This variant has been observed in one or more individuals affected with the associated recessive disease, as either homozygous or compound heterozygous with a second variant (PMID: 39592026, 19665771, 8227344, 26376800, 22447032). Additionally, this variant has been observed to segregate in affected family members (PMID: 26376800). Functional studies show that this variant may disrupt protein function (PMID: 9758612). Computational prediction algorithms indicate this variant is likely to affect gene or protein function. Given the available evidence, this variant is classified as Pathogenic.

Labcorp Genetics (formerly Invitae), Labcorp
Classification: Pathogenic for Severe combined immunodeficiency, autosomal recessive, T cell-negative, B cell-negative, NK cell-negative, due to adenosine deaminase deficiency. Last evaluated: 2025-01-01. Review status: criteria provided, single submitter. Criteria: Invitae Variant Classification Sherloc (09022015). Collection method: clinical testing. Allele origin: germline.
Comment: This sequence change replaces valine, which is neutral and non-polar, with methionine, which is neutral and non-polar, at codon 177 of the ADA protein (p.Val177Met). This variant is present in population databases (rs121908719, gnomAD 0.006%). This missense change has been observed in individual(s) with ADA-SCID (PMID: 8227344, 26376800). It has also been observed to segregate with disease in related individuals. ClinVar contains an entry for this variant (Variation ID: 68265). Invitae Evidence Modeling of protein sequence and biophysical properties (such as structural, functional, and spatial information, amino acid conservation, physicochemical variation, residue mobility, and thermodynamic stability) indicates that this missense variant is expected to disrupt ADA protein function with a positive predictive value of 80%. Experimental studies have shown that this missense change affects ADA function (PMID: 9758612). For these reasons, this variant has been classified as Pathogenic.

Baylor Genetics
Classification: Pathogenic for Severe combined immunodeficiency, autosomal recessive, T cell-negative, B cell-negative, NK cell-negative, due to adenosine deaminase deficiency. Last evaluated: 2023-10-19. Review status: criteria provided, single submitter. Criteria: ACMG Guidelines, 2015. Collection method: clinical testing. Allele origin: unknown.

Blueprint Genetics
Classification: Likely pathogenic for ADA-related disorders. Last evaluated: 2022-09-02. Review status: criteria provided, single submitter. Criteria: ACMG Guidelines, 2015. Collection method: clinical testing. Allele origin: germline. Affected: yes. Observed: 3 variant alleles.

Genome-Nilou Lab
Classification: Likely pathogenic for Severe combined immunodeficiency, autosomal recessive, T cell-negative, B cell-negative, NK cell-negative, due to adenosine deaminase deficiency. Last evaluated: 2021-08-10. Review status: criteria provided, single submitter. Criteria: ACMG Guidelines, 2015. Collection method: clinical testing. Allele origin: germline. Affected: no.

Counsyl
Classification: Likely pathogenic for Severe combined immunodeficiency, autosomal recessive, T cell-negative, B cell-negative, NK cell-negative, due to adenosine deaminase deficiency. Last evaluated: 2018-03-23. Review status: no assertion criteria provided. Collection method: clinical testing. Allele origin: unknown. Not counted in ClinVar's aggregate classification.

UniProtKB/Swiss-Prot
No classification provided. Condition: Severe combined immunodeficiency due to ADA deficiency. Review status: no classification provided. Collection method: not provided. Allele origin: unknown. Not counted in ClinVar's aggregate classification.

Literature cited by the submitters: PubMed 8227344 (cited by 4 submitters); PubMed 7599635 (cited by Women's Health and Genetics/Laboratory Corporation of America, LabCorp); PubMed 14499267 (cited by Women's Health and Genetics/Laboratory Corporation of America, LabCorp); PubMed 9758612 (cited by 4 submitters); PubMed 7554472 (cited by Women's Health and Genetics/Laboratory Corporation of America, LabCorp); PubMed 22447032 (cited by 3 submitters); PubMed 36790564 (cited by Women's Health and Genetics/Laboratory Corporation of America, LabCorp); PubMed 39592026 (cited by Women's Health and Genetics/Laboratory Corporation of America, LabCorp and Natera, Inc.); PubMed 19665771 (cited by Natera, Inc. and Counsyl); PubMed 26376800 (cited by 3 submitters).